The following is an entry in ClinVar:

NM_001458.5(FLNC):c.131G>T (p.Arg44Leu)

Gene: FLNC (filamin C; plus strand). Cytogenetic location: 7q32.1.
Variant type: single nucleotide variant.
Coding change: c.131G>T on transcript NM_001458.5 (MANE Select); coding-DNA position 131, G replaced by T.
Protein change: p.Arg44Leu; replaces arginine 44 with leucine.
Molecular consequence: missense variant.
Genome position (GRCh38, 1-based): chr7:128,830,768, G>T. VCF-style: chr7-128830768-G-T. GRCh37 (hg19) VCF-style: chr7-128470822-G-T.
Other names: c.131G>T, p.Arg44Leu (NM_001127487.2); short protein forms R44L.
Identifiers: ClinVar variation 840850 (VCV000840850.10), dbSNP rs1807853136, ClinGen allele CA369215922.

ClinVar aggregate classification (germline): Uncertain significance (1 of 4 stars; one submission).

Conditions:
Myofibrillar myopathy 5. Also called: Filaminopathy (type); FILAMINOPATHY, AUTOSOMAL DOMINANT. Identifiers: Orphanet 171445, MedGen C1836050, MONDO:0012289, OMIM 609524.
Hypertrophic cardiomyopathy 26. Also called: Cardiomyopathy, familial hypertrophic, 26. Identifiers: Orphanet 75249, MedGen C4310749, MONDO:0014883, OMIM 617047.
Distal myopathy with posterior leg and anterior hand involvement. Also called: WILLIAMS DISTAL MYOPATHY. Identifiers: Orphanet 63273, MedGen C3279722, MONDO:0013550, OMIM 614065.

Submission:

Labcorp Genetics (formerly Invitae), Labcorp
Classification: Uncertain significance for Distal myopathy with posterior leg and anterior hand involvement; Myofibrillar myopathy 5; Hypertrophic cardiomyopathy 26. Last evaluated: 2019-04-01. Review status: criteria provided, single submitter. Criteria: Invitae Variant Classification Sherloc (09022015). Collection method: clinical testing. Allele origin: germline.
Comment: In summary, the available evidence is currently insufficient to determine the role of this variant in disease. Therefore, it has been classified as a Variant of Uncertain Significance. Algorithms developed to predict the effect of missense changes on protein structure and function are either unavailable or do not agree on the potential impact of this missense change (SIFT: "Deleterious"; PolyPhen-2: "Possibly Damaging"; Align-GVGD: "Class C0"). This variant has not been reported in the literature in individuals with FLNC-related conditions. This variant is not present in population databases (ExAC no frequency). This sequence change replaces arginine with leucine at codon 44 of the FLNC protein (p.Arg44Leu). The arginine residue is highly conserved and there is a moderate physicochemical difference between arginine and leucine.